The following is an entry in ClinVar:

NM_000038.6(APC):c.2538T>C (p.Ser846=)

Gene: APC (APC regulator of Wnt signaling pathway; plus strand). Cytogenetic location: 5q22.2.
Variant type: single nucleotide variant.
Coding change: c.2538T>C on transcript NM_000038.6 (MANE Select); coding-DNA position 2538, T replaced by C.
Protein change: p.Ser846=; no amino-acid change (serine 846 retained).
Molecular consequence: synonymous variant. On other transcripts: non-coding transcript variant (2).
Genome position (GRCh38, 1-based): chr5:112,838,132, T>C. VCF-style: chr5-112838132-T-C. GRCh37 (hg19) VCF-style: chr5-112173829-T-C.
Other names: c.2538T>C (NM_000038.5); c.2538T>C, p.Ser846= (NM_001127510.3, NM_001354895.2, NM_001407450.1); c.2484T>C, p.Ser828= (NM_001127511.3); c.2592T>C, p.Ser864= (NM_001354896.2, NM_001407447.1, NM_001407448.1 and 1 more transcripts); c.2568T>C, p.Ser856= (NM_001354897.2); c.2463T>C, p.Ser821= (NM_001354898.2); c.2454T>C, p.Ser818= (NM_001354899.2); c.2415T>C, p.Ser805= (NM_001354900.2); and 12 more.
Identifiers: ClinVar variation 3148109 (VCV003148109.2), dbSNP rs759201675, ClinGen allele CA445962838.

ClinVar aggregate classification (germline): Benign/Likely benign. Review status: criteria provided, multiple submitters, no conflicts (2 of 4 stars). 2 submissions from 2 submitters: Benign (1); Likely benign (1). Last evaluated 2024-03-15.

Conditions:
Familial adenomatous polyposis 1 (FAP1). Also called: POLYPOSIS, ADENOMATOUS INTESTINAL; FAMILIAL ADENOMATOUS POLYPOSIS 1, ATTENUATED. Identifiers: MedGen C2713442, MONDO:0021056, OMIM 175100. Disease mechanism: loss of function.
Hereditary cancer-predisposing syndrome. Also called: Neoplastic Syndromes, Hereditary; Tumor predisposition; Hereditary neoplastic syndrome; Hereditary Cancer Syndrome. Identifiers: Orphanet 140162, MedGen C0027672, MeSH D009386, MONDO:0015356.

Submissions (2):

Ambry Genetics
Classification: Likely benign for Hereditary cancer-predisposing syndrome. Last evaluated: 2024-03-15. Review status: criteria provided, single submitter. Criteria: Ambry Variant Classification Scheme 2023. Collection method: clinical testing. Allele origin: germline.

Myriad Genetics, Inc.
Classification: Benign for Familial adenomatous polyposis 1. Last evaluated: 2024-03-14. Review status: criteria provided, single submitter. Criteria: Myriad Autosomal Dominant, Autosomal Recessive and X-Linked Classification Criteria (2023). Collection method: clinical testing. Allele origin: unknown.
Comment: This variant is considered benign. This variant is a silent/synonymous amino acid change and it is not expected to impact splicing.